The following is an entry in ClinVar:

NM_001854.4(COL11A1):c.3816+2dup

Gene: COL11A1 (collagen type XI alpha 1 chain; minus strand). Cytogenetic location: 1p21.1.
Variant type: Duplication.
Coding change: c.3816+2dup on transcript NM_001854.4 (MANE Select); the canonical splice donor site of the intron after coding-DNA position 3816, one base duplicated (T; older notation c.3816+2dupT).
Molecular consequence: splice donor variant.
Genome position (GRCh38, 1-based): chr1:102,915,629, A duplicated on the plus strand (T on the coding strand, the reverse complement: COL11A1 is on the minus strand). VCF-style (leftmost placement, unchanged base first): chr1-102915628-T-TA. GRCh37 (hg19) VCF-style: chr1-103381184-T-TA.
Other names: c.3816+2_3816+3insT (NM_001854.4); c.3699+2dup (NM_001190709.2); c.3852+2dup (NM_080629.3); c.3468+2dup (NM_080630.4).
Identifiers: ClinVar variation 1032776 (VCV001032776.13), dbSNP rs1469787406, ClinGen allele CA524885865.

ClinVar aggregate classification (germline): Pathogenic/Likely pathogenic. Review status: criteria provided, multiple submitters, no conflicts (2 of 4 stars). 8 submissions from 8 submitters: Pathogenic (6); Likely pathogenic (1). 1 of the submissions does not count toward it. Last evaluated 2026-01-13.

Conditions:
Stickler syndrome type 2 (STL2). Also called: COL11A1-Related Stickler Syndrome; STICKLER SYNDROME, BEADED VITREOUS TYPE; STICKLER SYNDROME, VITREOUS TYPE 2; STICKLER SYNDROME, TYPE II. Identifiers: Orphanet 828, Orphanet 90654, MedGen C1858084, MONDO:0011493, OMIM 604841.
COL11A1-related disorder. Also called: COL11A1-related condition; COL11A1-related disorders.
Stickler syndrome. Identifiers: Orphanet 828, MedGen C0265253, MONDO:0019354.
Fibrochondrogenesis 1 (FBCG1). Identifiers: Orphanet 2021, MedGen C3278138, MONDO:0009226, OMIM 228520.
Marshall syndrome (MRSHS). Identifiers: Orphanet 560, MedGen C0265235, MONDO:0007949, OMIM 154780.

Allele frequency attached by ClinVar (database versions not stated): gnomAD exomes below 0.00001.

Submissions (8):

Cambridge Genomics Laboratory, East Genomic Laboratory Hub, NHS Genomic Medicine Service
Classification: Pathogenic for Stickler syndrome. Last evaluated: 2026-01-13. Review status: criteria provided, single submitter. Criteria: ACGS Best Practice Guidelines for Variant Classification in Rare Disease 2020. Collection method: clinical testing. Allele origin: germline. Affected: yes.
Comment: PS3_Supporting,PS4_Moderate,PM2,PM4,PM6_Supporting,PP4_Moderate

Institute of Human Genetics, University of Leipzig Medical Center
Classification: Likely pathogenic for Stickler syndrome type 2. Last evaluated: 2025-03-20. Review status: criteria provided, single submitter. Criteria: ACMG Guidelines, 2015. Collection method: clinical testing. Allele origin: unknown. Inheritance: Autosomal dominant inheritance. Affected: yes.
Comment: Criteria applied: PS2,PS4_SUP,PP3

GeneDx
Classification: Pathogenic. Last evaluated: 2025-01-17. Review status: criteria provided, single submitter. Criteria: GeneDx Variant Classification Process June 2021. Collection method: clinical testing. Allele origin: germline.
Comment: Intronic variant directly or indirectly altering the +5 splice site in a gene for which loss of function is a known mechanism of disease, and splice predictors support a deleterious effect; Not observed at significant frequency in large population cohorts (gnomAD); This variant is associated with the following publications: (PMID: 35816303, 34680973, 1683158, 25240749, 10486316, 17236192)

Labcorp Genetics (formerly Invitae), Labcorp
Classification: Pathogenic. Last evaluated: 2023-08-27. Review status: criteria provided, single submitter. Criteria: Invitae Variant Classification Sherloc (09022015). Collection method: clinical testing. Allele origin: germline.
Comment: This sequence change falls in intron 50 of the COL11A1 gene. It does not directly change the encoded amino acid sequence of the COL11A1 protein. It affects a nucleotide within the consensus splice site. This variant is present in population databases (no rsID available, gnomAD 0.0009%). This variant has been observed in individual(s) with clinical features of autosomal dominant COL11A1-related conditions (PMID: 10486316, 25240749; Invitae). In at least one individual the variant was observed to be de novo. This variant is also known as InsT+3 IVS50. ClinVar contains an entry for this variant (Variation ID: 1032776). Variants that disrupt the consensus splice site are a relatively common cause of aberrant splicing (PMID: 17576681, 9536098). Algorithms developed to predict the effect of sequence changes on RNA splicing suggest that this variant may disrupt the consensus splice site. For these reasons, this variant has been classified as Pathogenic.

Laboratoire de Génétique Moléculaire, CHU Bordeaux
Classification: Pathogenic for Stickler syndrome type 2. Last evaluated: 2023-02-10. Review status: criteria provided, single submitter. Criteria: ACMG Guidelines, 2015. Collection method: clinical testing. Allele origin: germline. Affected: yes.

Blueprint Genetics
Classification: Pathogenic for COL11A1-related disorders. Last evaluated: 2022-06-21. Review status: criteria provided, single submitter. Criteria: ACMG Guidelines, 2015. Collection method: clinical testing. Allele origin: germline. Affected: yes. Observed: 5 variant alleles.

Baylor Genetics
Classification: Pathogenic for Fibrochondrogenesis 1. Last evaluated: 2018-09-07. Review status: criteria provided, single submitter. Criteria: ACMG Guidelines, 2015. Collection method: clinical testing. Allele origin: de novo. Affected: yes.
Comment: This variant was determined to be pathogenic according to ACMG Guidelines, 2015 [PMID:25741868]. This variant has been previously reported arising de novo in two independent patiets with Stickler syndrome [PMID 10486316, 25240749].

OMIM
Classification: Pathogenic for MARSHALL SYNDROME. Last evaluated: 2007-02-01. Review status: no assertion criteria provided. Collection method: literature only. Allele origin: germline. Not counted in ClinVar's aggregate classification.

Literature cited by the submitters: PubMed 10486316 (cited by 3 submitters); PubMed 25240749 (cited by Labcorp Genetics (formerly Invitae), Labcorp and Baylor Genetics); PubMed 17576681 (cited by Labcorp Genetics (formerly Invitae), Labcorp); PubMed 9536098 (cited by Labcorp Genetics (formerly Invitae), Labcorp); PubMed 17236192 (cited by OMIM).